The following is an entry in ClinVar:

NM_002224.4(ITPR3):c.7147T>C (p.Phe2383Leu)

Gene: ITPR3 (inositol 1,4,5-trisphosphate receptor type 3; plus strand). Cytogenetic location: 6p21.31.
Variant type: single nucleotide variant.
Coding change: c.7147T>C on transcript NM_002224.4 (MANE Select); coding-DNA position 7147, T replaced by C.
Protein change: p.Phe2383Leu; replaces phenylalanine 2383 with leucine.
Molecular consequence: missense variant.
Genome position (GRCh38, 1-based): chr6:33,691,031, T>C. VCF-style: chr6-33691031-T-C. GRCh37 (hg19) VCF-style: chr6-33658808-T-C.
Other names: short protein forms F2383L.
Identifiers: ClinVar variation 2578323 (VCV002578323.1), dbSNP rs2533176151, ClinGen allele CA363714574.

ClinVar aggregate classification (germline): Uncertain significance (1 of 4 stars; one submission).

Submission:

GeneDx
Classification: Uncertain significance. Last evaluated: 2023-02-28. Review status: criteria provided, single submitter. Criteria: GeneDx Variant Classification Process June 2021. Collection method: clinical testing. Allele origin: germline. Affected: yes.
Comment: Not observed at significant frequency in large population cohorts (gnomAD); In silico analysis supports that this missense variant has a deleterious effect on protein structure/function; Has not been previously published as pathogenic or benign to our knowledge